The following is an entry in ClinVar:

NM_030625.3(TET1):c.4261A>G (p.Thr1421Ala)

Gene: TET1 (tet methylcytosine dioxygenase 1; plus strand). Cytogenetic location: 10q21.3.
Variant type: single nucleotide variant.
Coding change: c.4261A>G on transcript NM_030625.3 (MANE Select); coding-DNA position 4261, A replaced by G.
Protein change: p.Thr1421Ala; replaces threonine 1421 with alanine.
Molecular consequence: missense variant.
Genome position (GRCh38, 1-based): chr10:68,646,990, A>G. VCF-style: chr10-68646990-A-G. GRCh37 (hg19) VCF-style: chr10-70406747-A-G.
Other names: short protein forms T1421A.
Identifiers: ClinVar variation 784084 (VCV000784084.6), dbSNP rs144156611, ClinGen allele CA5526586.

ClinVar aggregate classification (germline): Benign. Review status: criteria provided, multiple submitters, no conflicts (2 of 4 stars). 3 submissions from 3 submitters: Benign (2). 1 of the submissions does not count toward it. Last evaluated 2018-05-18.

Conditions:
TET1-related disorder. Also called: TET1-related condition.

Allele frequency attached by ClinVar (database versions not stated): TOPMed 0.00671; 1000 Genomes Project 30x 0.00906; ESP Exome Variant Server 0.00331; gnomAD exomes 0.00504 and 0.01188; ExAC 0.00990; gnomAD 0.00658 and 0.00663; 1000 Genomes Project 0.00859.
gnomAD v4.1: 8,382 of 1,611,842 alleles (0.52%); highest among the groups gnomAD compares: Admixed American, 5.9%; 143 homozygotes.

Submissions (3):

Labcorp Genetics (formerly Invitae), Labcorp
Classification: Benign. Last evaluated: 2018-05-18. Review status: criteria provided, single submitter. Criteria: Invitae Variant Classification Sherloc (09022015). Collection method: clinical testing. Allele origin: germline.

Breakthrough Genomics
Classification: Benign. Review status: criteria provided, single submitter. Criteria: ACMG Guidelines, 2015. Collection method: not provided. Allele origin: germline. Inheritance: Unknown mechanism. Affected: yes.

PreventionGenetics, part of Exact Sciences
Classification: Benign for TET1-related condition. Last evaluated: 2019-10-28. Review status: no assertion criteria provided. Collection method: clinical testing. Allele origin: germline. Not counted in ClinVar's aggregate classification.
Comment: This variant is classified as benign based on ACMG/AMP sequence variant interpretation guidelines (Richards et al. 2015 PMID: 25741868, with internal and published modifications).